The following is an entry in ClinVar:

ClinVar aggregate classification (germline): Uncertain significance (1 of 4 stars; one submission).

Submission:

GeneDx
Classification: Uncertain significance. Last evaluated: 2023-07-31. Review status: criteria provided, single submitter. Criteria: GeneDx Variant Classification Process June 2021. Collection method: clinical testing. Allele origin: germline. Affected: yes.
Comment: Not observed at significant frequency in large population cohorts (gnomAD); In silico analysis supports that this missense variant does not alter protein structure/function; Has not been previously published as pathogenic or benign to our knowledge

NM_001330700.2(TOP2B):c.577A>G (p.Ile193Val)

Gene: TOP2B (DNA topoisomerase II beta; minus strand). Cytogenetic location: 3p24.2.
Variant type: single nucleotide variant.
Coding change: c.577A>G on transcript NM_001330700.2 (MANE Select); coding-DNA position 577, A replaced by G.
Protein change: p.Ile193Val; replaces isoleucine 193 with valine.
Molecular consequence: missense variant.
Genome position (GRCh38, 1-based): chr3:25,637,277, T>C on the plus strand (A>G on the coding strand, the complement: TOP2B is on the minus strand). VCF-style: chr3-25637277-T-C. GRCh37 (hg19) VCF-style: chr3-25678768-T-C.
Other names: c.562A>G, p.Ile188Val (NM_001068.3); short protein forms I188V, I193V.
Identifiers: ClinVar variation 3361529 (VCV003361529.1).